The following is an entry in ClinVar:

NM_153676.4(USH1C):c.592A>T (p.Ser198Cys)

Gene: USH1C (USH1 protein network component harmonin; minus strand). Cytogenetic location: 11p15.1.
Variant type: single nucleotide variant.
Coding change: c.592A>T on transcript NM_153676.4 (MANE Select); coding-DNA position 592, A replaced by T.
Protein change: p.Ser198Cys; replaces serine 198 with cysteine.
Molecular consequence: missense variant. On other transcripts: non-coding transcript variant (1).
Genome position (GRCh38, 1-based): chr11:17,526,429, T>A on the plus strand (A>T on the coding strand, the complement: USH1C is on the minus strand). VCF-style: chr11-17526429-T-A. GRCh37 (hg19) VCF-style: chr11-17547976-T-A.
Other names: c.592A>T (NM_005709.3); c.592A>T, p.Ser198Cys (NM_001297764.2, NM_005709.4); short protein forms S198C.
Identifiers: ClinVar variation 48022 (VCV000048022.11), dbSNP rs141771249, ClinGen allele CA142395.
Genomic context (GRCh38, chr11:17,526,429, plus strand): 5'-CTACCAGGCTGATGAAGACCTTCTTCTCCTTGTTTTCCCGATTTCCAGGGGAGCCCAGGC[T>A]GCCTCGCACGCCCTGAAAGAGAGATAGAAGCAGAATCACGGAGTGTCCACATGCGTGCAA-3'
Protein context (NP_710142.1, residues 188-208): FVSESGGVRG[Ser198Cys]LGSPGNRENK

ClinVar aggregate classification (germline): Uncertain significance. Review status: criteria provided, multiple submitters, no conflicts (2 of 4 stars). 5 submissions from 5 submitters: Uncertain significance (4). 1 of the submissions does not count toward it. Last evaluated 2024-01-19.

Conditions:
Inborn genetic diseases. Identifiers: MedGen C0950123, MeSH D030342.
Usher syndrome type 1C. Also called: USHER SYNDROME, TYPE I, ACADIAN VARIETY. Identifiers: Orphanet 231169, Orphanet 886, MedGen C1848604, MONDO:0010171, OMIM 276904.

Allele frequency attached by ClinVar (database versions not stated): gnomAD exomes 0.00002; ExAC 0.00003; gnomAD 0.00005; TOPMed 0.00006; ESP Exome Variant Server 0.00008.
gnomAD v4.1: 34 of 1,613,954 alleles (0.0021%); highest among the groups gnomAD compares: Middle Eastern, 0.016%; no homozygotes.

Submissions (5):

Labcorp Genetics (formerly Invitae), Labcorp
Classification: Uncertain significance. Last evaluated: 2024-01-19. Review status: criteria provided, single submitter. Criteria: Invitae Variant Classification Sherloc (09022015). Collection method: clinical testing. Allele origin: germline.
Comment: This sequence change replaces serine, which is neutral and polar, with cysteine, which is neutral and slightly polar, at codon 198 of the USH1C protein (p.Ser198Cys). This variant is present in population databases (rs141771249, gnomAD 0.02%). This variant has not been reported in the literature in individuals affected with USH1C-related conditions. ClinVar contains an entry for this variant (Variation ID: 48022). An algorithm developed to predict the effect of missense changes on protein structure and function (PolyPhen-2) suggests that this variant¬†is likely to be tolerated. In summary, the available evidence is currently insufficient to determine the role of this variant in disease. Therefore, it has been classified as a Variant of Uncertain Significance.

Ambry Genetics
Classification: Uncertain significance for Inborn genetic diseases. Last evaluated: 2023-03-27. Review status: criteria provided, single submitter. Criteria: Ambry Variant Classification Scheme 2023. Collection method: clinical testing. Allele origin: germline.

GeneDx
Classification: Uncertain significance. Last evaluated: 2022-06-20. Review status: criteria provided, single submitter. Criteria: GeneDx Variant Classification Process June 2021. Collection method: clinical testing. Allele origin: germline. Affected: yes.
Comment: In silico analysis supports that this missense variant has a deleterious effect on protein structure/function; Has not been previously published as pathogenic or benign to our knowledge

Laboratory for Molecular Medicine, Mass General Brigham Personalized Medicine
Classification: Uncertain significance. Last evaluated: 2012-04-17. Review status: criteria provided, single submitter. Criteria: LMM Criteria. Collection method: clinical testing. Allele origin: germline. Observed: 1 variant allele.
Comment: Variant classified as Uncertain Significance - Favor Benign. The Ser198Cys varia nt in USH1C has not been reported in the literature nor previously identified by our laboratory. However, this variant has been identified in 1/7020 (0.01%) Eur opean American chromosomes and 1/3108 (0.0%) African American chromosomes from a broad population (NHLBI Exome Sequencing Project; EVS). Computational analyses (biochemical amino acid properties, conservation, P olyPhen2, and SIFT) suggest that the Ser198Cys variant may not impact the protei n, particularly based upon lack of conservation even in mammals, though this inf ormation is not predictive enough to rule out pathogenicity. In summary, the cli nical significance of this variant cannot be determined with certainty; however based upon lack of conservation, we would lean towards a more likely benign role .

Natera, Inc.
Classification: Uncertain significance for Usher syndrome type 1C. Last evaluated: 2019-11-11. Review status: no assertion criteria provided. Collection method: clinical testing. Allele origin: germline. Not counted in ClinVar's aggregate classification.